The following is an entry in ClinVar:

NM_000368.5(TSC1):c.2030C>T (p.Thr677Ile)

Gene: TSC1 (TSC complex subunit 1; minus strand). Cytogenetic location: 9q34.13.
Variant type: single nucleotide variant.
Coding change: c.2030C>T on transcript NM_000368.5 (MANE Select); coding-DNA position 2030, C replaced by T.
Protein change: p.Thr677Ile; replaces threonine 677 with isoleucine.
Molecular consequence: missense variant.
Genome position (GRCh38, 1-based): chr9:132,904,422, G>A on the plus strand (C>T on the coding strand, the complement: TSC1 is on the minus strand). VCF-style: chr9-132904422-G-A. GRCh37 (hg19) VCF-style: chr9-135779809-G-A.
Other names: c.2027C>T, p.Thr676Ile (NM_001162426.2); c.1877C>T, p.Thr626Ile (NM_001162427.2); c.1667C>T, p.Thr556Ile (NM_001362177.2); short protein forms T677I, T676I, T556I, T626I.
Identifiers: ClinVar variation 466058 (VCV000466058.23), dbSNP rs779584449, ClinGen allele CA030690.

ClinVar aggregate classification (germline): Conflicting classifications of pathogenicity. Review status: criteria provided, conflicting classifications (1 of 4 stars). 6 submissions from 6 submitters: Uncertain significance (3); Likely benign (3). Last evaluated 2026-01-26.

Conditions:
Tuberous sclerosis 1 (TSC1). Identifiers: Orphanet 805, MedGen C1854465, MONDO:0008612, OMIM 191100.
Hereditary cancer-predisposing syndrome. Also called: Hereditary neoplastic syndrome; Neoplastic Syndromes, Hereditary; Tumor predisposition; Hereditary Cancer Syndrome. Identifiers: Orphanet 140162, MedGen C0027672, MeSH D009386, MONDO:0015356.

Allele frequency attached by ClinVar (database versions not stated): gnomAD exomes below 0.00001; TOPMed 0.00001; ExAC 0.00002; gnomAD 0.00002.
gnomAD v4.1: 5 of 1,613,928 alleles (0.00031%); highest among the groups gnomAD compares: African/African-American, 0.0067%; no homozygotes.

Submissions (6):

Labcorp Genetics (formerly Invitae), Labcorp
Classification: Likely benign for Tuberous sclerosis 1. Last evaluated: 2026-01-26. Review status: criteria provided, single submitter. Criteria: Invitae Variant Classification Sherloc (09022015). Collection method: clinical testing. Allele origin: germline.

Quest Diagnostics Nichols Institute San Juan Capistrano
Classification: Uncertain significance. Last evaluated: 2024-07-26. Review status: criteria provided, single submitter. Criteria: Quest Diagnostics criteria. Collection method: clinical testing. Allele origin: unknown.

GeneDx
Classification: Uncertain significance. Last evaluated: 2023-07-10. Review status: criteria provided, single submitter. Criteria: GeneDx Variant Classification Process June 2021. Collection method: clinical testing. Allele origin: germline. Affected: yes.
Comment: In silico analysis supports that this missense variant has a deleterious effect on protein structure/function; Has not been previously published as pathogenic or benign to our knowledge

Ambry Genetics
Classification: Likely benign for Hereditary cancer-predisposing syndrome. Last evaluated: 2022-12-13. Review status: criteria provided, single submitter. Criteria: Ambry Variant Classification Scheme 2023. Collection method: clinical testing. Allele origin: germline.

Genome-Nilou Lab
Classification: Likely benign for Tuberous sclerosis 1. Last evaluated: 2021-11-07. Review status: criteria provided, single submitter. Criteria: ACMG Guidelines, 2015. Collection method: clinical testing. Allele origin: germline. Affected: no.

Sema4
Classification: Uncertain significance for Hereditary cancer-predisposing syndrome. Last evaluated: 2021-07-15. Review status: criteria provided, single submitter. Criteria: Sema4 Curation Guidelines. Collection method: curation. Allele origin: germline.
Comment: The TSC1 c.2030C>T (p.T677I) variant has not been reported in the literature to our knowledge. This variant was observed in 2/24954 chromosomes in the African/African American subpopulation in the large and broad cohorts of the Genome Aggregation Database. The variant has been reported in Clinvar (Variation ID 466058). Functional studies have not been performed, and in silico predictions of the variant's effect on protein function are deleterious. The overall evidence is insufficient to meet ACMG/AMP criteria for classifying it as benign or pathogenic. Thus, the clinical significance of this variant is currently uncertain.